The following is an entry in ClinVar:

ClinVar aggregate classification (germline): Pathogenic (1 of 4 stars; one submission).

Conditions:
Autosomal recessive limb-girdle muscular dystrophy type 2L (LGMDR12). Also called: Limb-girdle muscular dystrophy, type 2L; Limb-Girdle Muscular Dystrophy R12 Anoctamin-5-Related (LGMD-R12); MUSCULAR DYSTROPHY, LIMB-GIRDLE, AUTOSOMAL RECESSIVE 12. Identifiers: Orphanet 206549, MedGen C1969785, MONDO:0012652, OMIM 611307.
Gnathodiaphyseal dysplasia (GDD). Also called: GNATHODIAPHYSEAL SCLEROSIS; OSTEOGENESIS IMPERFECTA WITH UNUSUAL SKELETAL LESIONS. Identifiers: Orphanet 53697, MedGen C1833736, MONDO:0008151, OMIM 166260.

Submission:

Labcorp Genetics (formerly Invitae), Labcorp
Classification: Pathogenic for Autosomal recessive limb-girdle muscular dystrophy type 2L; Gnathodiaphyseal dysplasia. Last evaluated: 2020-07-07. Review status: criteria provided, single submitter. Criteria: Invitae Variant Classification Sherloc (09022015). Collection method: clinical testing. Allele origin: germline.
Comment: This sequence change creates a premature translational stop signal (p.Gln564*) in the ANO5 gene. It is expected to result in an absent or disrupted protein product. This variant is not present in population databases (ExAC no frequency). This variant has not been reported in the literature in individuals with ANO5-related conditions. Loss-of-function variants in ANO5 are known to be pathogenic (PMID: 21186264, 23606453, 25891276, 30919934). For these reasons, this variant has been classified as Pathogenic.

Literature cited by the submitters: PubMed 21186264; PubMed 23606453; PubMed 25891276; PubMed 30919934.

NM_213599.3(ANO5):c.1690C>T (p.Gln564Ter)

Gene: ANO5 (anoctamin 5; plus strand). Cytogenetic location: 11p14.3.
Variant type: single nucleotide variant.
Coding change: c.1690C>T on transcript NM_213599.3 (MANE Select); coding-DNA position 1690, C replaced by T.
Protein change: p.Gln564Ter; replaces glutamine 564 with a stop codon.
Molecular consequence: nonsense.
Genome position (GRCh38, 1-based): chr11:22,262,188, C>T. VCF-style: chr11-22262188-C-T. GRCh37 (hg19) VCF-style: chr11-22283734-C-T.
Other names: c.1687C>T, p.Gln563Ter (NM_001142649.2); short protein forms Q563*, Q564*.
Identifiers: ClinVar variation 1073054 (VCV001073054.7), dbSNP rs2133747657, ClinGen allele CA379922602.